The following is an entry in ClinVar:

NM_015001.3(SPEN):c.2429G>A (p.Arg810Gln)

Gene: SPEN (spen family transcriptional repressor; plus strand). Cytogenetic location: 1p36.13.
Variant type: single nucleotide variant.
Coding change: c.2429G>A on transcript NM_015001.3 (MANE Select); coding-DNA position 2429, G replaced by A.
Protein change: p.Arg810Gln; replaces arginine 810 with glutamine.
Molecular consequence: missense variant.
Genome position (GRCh38, 1-based): chr1:15,928,669, G>A. VCF-style: chr1-15928669-G-A. GRCh37 (hg19) VCF-style: chr1-16255164-G-A.
Other names: short protein forms R810Q.
Identifiers: ClinVar variation 2638308 (VCV002638308.24), dbSNP rs150519231, ClinGen allele CA619287.

ClinVar aggregate classification (germline): Likely benign (1 of 4 stars; one submission).

Allele frequency attached by ClinVar (database versions not stated): gnomAD 0.00011; TOPMed 0.00012; ESP Exome Variant Server 0.00031.
gnomAD v4.1: 251 of 1,613,740 alleles (0.016%); highest among the groups gnomAD compares: Non-Finnish European, 0.018%; no homozygotes.

Submission:

CeGaT Center for Human Genetics Tuebingen
Classification: Likely benign. Last evaluated: 2026-05-01. Review status: criteria provided, single submitter. Criteria: CeGaT Center For Human Genetics Tuebingen Variant Classification Criteria Version 2. Collection method: clinical testing. Allele origin: germline. Affected: yes. Observed: 6 variant alleles.
Comment: SPEN: BS1